The following is an entry in ClinVar:

ClinVar aggregate classification (germline): Uncertain significance (1 of 4 stars; one submission).

Conditions:
Hereditary cancer-predisposing syndrome. Also called: Hereditary Cancer Syndrome; Hereditary neoplastic syndrome; Neoplastic Syndromes, Hereditary; Tumor predisposition. Identifiers: Orphanet 140162, MedGen C0027672, MeSH D009386, MONDO:0015356.

Allele frequency attached by ClinVar (database versions not stated): gnomAD exomes below 0.00001.
gnomAD v4.1: 2 of 1,613,372 alleles (0.00012%); highest among the groups gnomAD compares: South Asian, 0.0011%; no homozygotes.

Submission:

Ambry Genetics
Classification: Uncertain significance for Hereditary cancer-predisposing syndrome. Last evaluated: 2022-02-12. Review status: criteria provided, single submitter. Criteria: Ambry Variant Classification Scheme 2023. Collection method: clinical testing. Allele origin: germline.
Comment: The p.R452K variant (also known as c.1355G>A), located in coding exon 9 of the MSH3 gene, results from a G to A substitution at nucleotide position 1355. The arginine at codon 452 is replaced by lysine, an amino acid with highly similar properties. This amino acid position is conserved. In addition, the in silico prediction for this alteration is inconclusive. Since supporting evidence is limited at this time, the clinical significance of this alteration remains unclear.

NM_002439.5(MSH3):c.1355G>A (p.Arg452Lys)

Gene: MSH3 (mutS homolog 3; plus strand). Cytogenetic location: 5q14.1.
Variant type: single nucleotide variant.
Coding change: c.1355G>A on transcript NM_002439.5 (MANE Select); coding-DNA position 1355, G replaced by A.
Protein change: p.Arg452Lys; replaces arginine 452 with lysine.
Molecular consequence: missense variant.
Genome position (GRCh38, 1-based): chr5:80,725,467, G>A. VCF-style: chr5-80725467-G-A. GRCh37 (hg19) VCF-style: chr5-80021286-G-A.
Other names: short protein forms R452K.
Identifiers: ClinVar variation 1770688 (VCV001770688.2), dbSNP rs1268841150, ClinGen allele CA360273369.